The following is an entry in ClinVar:

NM_000256.3(MYBPC3):c.1597C>T (p.Gln533Ter)

Gene: MYBPC3 (myosin binding protein C3; minus strand). Cytogenetic location: 11p11.2.
Variant type: single nucleotide variant.
Coding change: c.1597C>T on transcript NM_000256.3 (MANE Select); coding-DNA position 1597, C replaced by T.
Protein change: p.Gln533Ter; replaces glutamine 533 with a stop codon.
Molecular consequence: nonsense.
Genome position (GRCh38, 1-based): chr11:47,342,605, G>A on the plus strand (C>T on the coding strand, the complement: MYBPC3 is on the minus strand). VCF-style: chr11-47342605-G-A. GRCh37 (hg19) VCF-style: chr11-47364156-G-A.
Other names: short protein forms Q533*.
Identifiers: ClinVar variation 1776028 (VCV001776028.2), dbSNP rs1337113054, ClinGen allele CA380325033.

ClinVar aggregate classification (germline): Pathogenic (1 of 4 stars; one submission).

Conditions:
Cardiovascular phenotype. Identifiers: MedGen CN230736.

Submission:

Ambry Genetics
Classification: Pathogenic for Cardiovascular phenotype. Last evaluated: 2020-05-04. Review status: criteria provided, single submitter. Criteria: Ambry Variant Classification Scheme 2023. Collection method: clinical testing. Allele origin: germline.
Comment: The p.Q533* variant (also known as c.1597C>T), located in coding exon 17 of the MYBPC3 gene, results from a C to T substitution at nucleotide position 1597. This changes the amino acid from a glutamine to a stop codon within coding exon 17. This alteration is expected to result in loss of function by premature protein truncation or nonsense-mediated mRNA decay. As such, this alteration is interpreted as a disease-causing mutation.